The following is an entry in ClinVar:

NM_018941.4(CLN8):c.415C>T (p.His139Tyr)

Gene: CLN8 (CLN8 transmembrane ER and ERGIC protein; plus strand). Cytogenetic location: 8p23.3.
Variant type: single nucleotide variant.
Coding change: c.415C>T on transcript NM_018941.4 (MANE Select); coding-DNA position 415, C replaced by T.
Protein change: p.His139Tyr; replaces histidine 139 with tyrosine.
Molecular consequence: missense variant.
Genome position (GRCh38, 1-based): chr8:1,771,469, C>T. VCF-style: chr8-1771469-C-T. GRCh37 (hg19) VCF-style: chr8-1719635-C-T.
Other names: short protein forms H139Y.
Identifiers: ClinVar variation 56707 (VCV000056707.4), dbSNP rs386834127, ClinGen allele CA264165.

ClinVar aggregate classification (germline): Uncertain significance. Review status: criteria provided, single submitter (1 of 4 stars). 2 submissions from 2 submitters: Uncertain significance (1). 1 of the submissions does not count toward it. Last evaluated 2022-03-11.

Conditions:
Neuronal ceroid lipofuscinosis. Also called: Neuronal Ceroid Lipofuscinoses. Identifiers: Orphanet 216, Orphanet 79263, MedGen C0027877, MONDO:0016295. Disease mechanism: loss of function.
Neuronal ceroid lipofuscinosis 8 (CLN8). Also called: CLN8-Related Neuronal Ceroid-Lipofuscinosis. Identifiers: Orphanet 168491, Orphanet 228354, Orphanet 79264, MedGen C1838570, MONDO:0010830, OMIM 600143.

Allele frequency attached by ClinVar (database versions not stated): gnomAD exomes below 0.00001; ExAC 0.00001.
gnomAD v4.1: 1 of 1,614,214 alleles (0.000062%); highest among the groups gnomAD compares: Non-Finnish European, 0.000085%; no homozygotes.

Submissions (2):

Labcorp Genetics (formerly Invitae), Labcorp
Classification: Uncertain significance for Neuronal ceroid lipofuscinosis. Last evaluated: 2022-03-11. Review status: criteria provided, single submitter. Criteria: Invitae Variant Classification Sherloc (09022015). Collection method: clinical testing. Allele origin: germline.
Comment: This sequence change replaces histidine, which is basic and polar, with tyrosine, which is neutral and polar, at codon 139 of the CLN8 protein (p.His139Tyr). This variant is present in population databases (rs386834127, gnomAD 0.0009%). This missense change has been observed in individual(s) with neuronal ceroid lipofuscinosis type 8 (PMID: 21990111). ClinVar contains an entry for this variant (Variation ID: 56707). Advanced modeling of protein sequence and biophysical properties (such as structural, functional, and spatial information, amino acid conservation, physicochemical variation, residue mobility, and thermodynamic stability) performed at Invitae indicates that this missense variant is expected to disrupt CLN8 protein function. This variant disrupts the p.His139 amino acid residue in CLN8. Other variant(s) that disrupt this residue have been observed in individuals with CLN8-related conditions (PMID: 19201763), which suggests that this may be a clinically significant amino acid residue. In summary, the available evidence is currently insufficient to determine the role of this variant in disease. Therefore, it has been classified as a Variant of Uncertain Significance.

Juha Muilu Group; Institute for Molecular Medicine Finland (FIMM)
Classification: Likely pathogenic for Ceroid lipofuscinosis neuronal 8. Review status: no assertion criteria provided. Collection method: not provided. Allele origin: unknown. Not counted in ClinVar's aggregate classification.
Comment: FinDis database variant: This variant was not found or characterized by our laboratory, data were collected from public sources: see reference
ClinVar note: Converted during submission from probable-pathogenic to Likely pathogenic.

Literature cited by the submitters: PubMed 21990111 (cited by Labcorp Genetics (formerly Invitae), Labcorp); PubMed 19201763 (cited by Labcorp Genetics (formerly Invitae), Labcorp).